The following is an entry in ClinVar:

NM_001267550.2(TTN):c.86024C>T (p.Pro28675Leu)

Genes: TTN (titin; minus strand), TTN-AS1 (TTN antisense RNA 1; plus strand). Cytogenetic location: 2q31.2.
Variant type: single nucleotide variant.
Coding change: c.86024C>T on transcript NM_001267550.2 (MANE Select); coding-DNA position 86024, C replaced by T.
Protein change: p.Pro28675Leu; replaces proline 28675 with leucine.
Molecular consequence: missense variant.
Genome position (GRCh38, 1-based): chr2:178,560,108, G>A on the plus strand (C>T on the coding strand, the complement: TTN is on the minus strand). VCF-style: chr2-178560108-G-A. GRCh37 (hg19) VCF-style: chr2-179424835-G-A.
Other names: c.81101C>T, p.Pro27034Leu (NM_001256850.1); c.58829C>T, p.Pro19610Leu (NM_003319.4); c.78320C>T, p.Pro26107Leu (NM_133378.4); c.59204C>T, p.Pro19735Leu (NM_133432.3); c.59405C>T, p.Pro19802Leu (NM_133437.4); short protein forms P28675L, P26107L, P19610L, P27034L, P19735L, P19802L.
Identifiers: ClinVar variation 196089 (VCV000196089.13), dbSNP rs766419568, ClinGen allele CA242880.

ClinVar aggregate classification (germline): Conflicting classifications of pathogenicity. Review status: criteria provided, conflicting classifications (1 of 4 stars). 6 submissions from 6 submitters: Uncertain significance (5); Likely benign (1). Last evaluated 2025-05-28.

Conditions:
TTN-related disorder. Also called: TTN-related condition; TTN-related disease; TTN-related disorders.
Dilated cardiomyopathy 1G (CMD1G). Identifiers: Orphanet 154, MedGen C1858763, MONDO:0011400, OMIM 604145.

Allele frequency attached by ClinVar (database versions not stated): gnomAD exomes 0.00002 and 0.00007; TOPMed 0.00003; ExAC 0.00002.
gnomAD v4.1: 101 of 1,613,584 alleles (0.0063%); highest among the groups gnomAD compares: Non-Finnish European, 0.0085%; no homozygotes.

Submissions (6):

PreventionGenetics, part of Exact Sciences
Classification: Uncertain significance for TTN-related condition. Last evaluated: 2025-05-28. Review status: criteria provided, single submitter. Criteria: ACMG Guidelines, 2015. Collection method: clinical testing. Allele origin: germline.
Comment: The TTN c.86024C>T variant is predicted to result in the amino acid substitution p.Pro28675Leu. This variant has been reported in the homozygous state in an individual with muscle weakness (referred to as c.58829C>T, p.Pro19610Leu in transcript NM_003319 in Supplemental Table, Monies et al. 2017. PubMed ID: 28600779). This variant is reported in 0.0047% of alleles in individuals of European (Non-Finnish) descent in gnomAD and has conflicting interpretations regarding its pathogenicity in ClinVar, ranging from likely benign to uncertain. At this time, the clinical significance of this variant is uncertain due to the absence of conclusive functional and genetic evidence.

Genomic Medicine Center of Excellence, King Faisal Specialist Hospital and Research Centre
Classification: Uncertain significance for Dilated cardiomyopathy 1G. Last evaluated: 2024-03-14. Review status: criteria provided, single submitter. Criteria: ACMG Guidelines, 2015. Collection method: research. Allele origin: germline.

Revvity Omics, Revvity
Classification: Uncertain significance. Last evaluated: 2023-06-30. Review status: criteria provided, single submitter. Criteria: ACMG Guidelines, 2015. Collection method: clinical testing. Allele origin: germline.

Women's Health and Genetics/Laboratory Corporation of America, LabCorp
Classification: Uncertain significance. Last evaluated: 2022-08-25. Review status: criteria provided, single submitter. Criteria: LabCorp Variant Classification Summary - May 2015. Collection method: clinical testing. Allele origin: germline.
Comment: Variant summary: TTN c.78320C>T (p.Pro26107Leu) results in a non-conservative amino acid change located in the A-band region of the encoded protein sequence. Five of five in-silico tools predict a damaging effect of the variant on protein function. The variant allele was found at a frequency of 2e-05 in 247670 control chromosomes (gnomAD). The available data on variant occurrences in the general population are insufficient to allow any conclusion about variant significance. c.78320C>T has been reported in the literature in one homozygous individual affected with muscle weakness (Monies_2017). This report does not provide unequivocal conclusions about association of the variant with Limb-Girdle Muscular Dystrophy, Type 2J. To our knowledge, no experimental evidence demonstrating an impact on protein function has been reported. Two ClinVar submitters have assessed the variant since 2014 without evidence for independent evaluation: one classified the variant as uncertain significance and one as likely benign. Based on the evidence outlined above, the variant was classified as uncertain significance.

GeneDx
Classification: Likely benign. Last evaluated: 2018-08-27. Review status: criteria provided, single submitter. Criteria: GeneDx Variant Classification Process June 2021. Collection method: clinical testing. Allele origin: germline. Affected: yes.
Comment: See Variant Classification Assertion Criteria.

Eurofins Ntd Llc (ga)
Classification: Uncertain significance. Last evaluated: 2015-04-01. Review status: criteria provided, single submitter. Criteria: EGL Classification Definitions 2015. Collection method: clinical testing. Allele origin: germline. Observed: 1 variant allele, 1 heterozygote.

Literature cited by the submitters: PubMed 28600779 (cited by Women's Health and Genetics/Laboratory Corporation of America, LabCorp).